The following is an entry in ClinVar:

NM_000051.4(ATM):c.1236-5_1236-3del

Gene: ATM (ATM serine/threonine kinase; plus strand). Cytogenetic location: 11q22.3.
Variant type: Deletion.
Coding change: c.1236-5_1236-3del on transcript NM_000051.4 (MANE Select); 5 bases into the intron before coding-DNA position 1236 through 3 bases into the intron before coding-DNA position 1236, 3 bases deleted (TTT; older notation c.1236-5_1236-3delTTT).
Molecular consequence: intron variant.
Genome position (GRCh38, 1-based): chr11:108,250,696-108,250,698, TTT deleted; deleting any 3 consecutive bases within chr11:108,250,684-108,250,698 gives the same sequence; the c. name uses the placement nearest the transcript's 3' end. VCF-style (leftmost placement, unchanged base first): chr11-108250683-CTTT-C. GRCh37 (hg19) VCF-style: chr11-108121410-CTTT-C.
Other names: NC_000011.9:g.108121423_108121425del; c.1236-5_1236-3del (NM_001351834.2).
Identifiers: ClinVar variation 3962245 (VCV003962245.4).

ClinVar aggregate classification (germline): Likely benign. Review status: criteria provided, multiple submitters, no conflicts (2 of 4 stars). 2 submissions from 2 submitters: Likely benign (2). Last evaluated 2026-03-28.

Conditions:
Hereditary cancer-predisposing syndrome. Also called: Neoplastic Syndromes, Hereditary; Tumor predisposition; Hereditary Cancer Syndrome; Hereditary neoplastic syndrome. Identifiers: Orphanet 140162, MedGen C0027672, MeSH D009386, MONDO:0015356.
ATM-related cancer predisposition. Also called: ATM-related cancer susceptibility. Identifiers: MedGen CN377759, MONDO:0700270.

Submissions (4):

Dasa
Classification: Likely benign for ATM-related cancer predisposition. Last evaluated: 2026-03-28. Review status: criteria provided, single submitter. Criteria: DASA Assertion Criteria. Collection method: clinical testing. Allele origin: germline.
Comment: NM_000051.4(ATM):c.1236-5_1236-3del is a splice-region variant. Population frequency is inconsistent with a disease-causing role for this variant. Computational prediction algorithms are consistent with a benign effect. Therefore, based on the currently available evidence, this variant is classified as likely benign.

Ambry Genetics
Classification: Likely benign for Hereditary cancer-predisposing syndrome. Last evaluated: 2025-05-27. Review status: criteria provided, single submitter. Criteria: Ambry Variant Classification Scheme 2023. Collection method: clinical testing. Allele origin: germline.

Dr. Peter K. Rogan Lab, Western University
No classification provided (evidence only). Condition: Gastric cancer. Review status: no classification provided. Collection method: in vitro. Allele origin: not applicable. Functional consequence: retained intron. Not counted in ClinVar's aggregate classification.

Dr. Peter K. Rogan Lab, Western University
No classification provided (evidence only). Condition: Uterine corpus endometrial carcinoma. Review status: no classification provided. Collection method: in vitro. Allele origin: not applicable. Functional consequence: retained intron. Not counted in ClinVar's aggregate classification.